The following is an entry in ClinVar:

NM_001378120.1(MBD5):c.601C>A (p.Gln201Lys)

Gene: MBD5 (methyl-CpG binding domain protein 5; plus strand). Cytogenetic location: 2q23.1.
Variant type: single nucleotide variant.
Coding change: c.601C>A on transcript NM_001378120.1 (MANE Select); coding-DNA position 601, C replaced by A.
Protein change: p.Gln201Lys; replaces glutamine 201 with lysine.
Molecular consequence: missense variant.
Genome position (GRCh38, 1-based): chr2:148,468,544, C>A. VCF-style: chr2-148468544-C-A. GRCh37 (hg19) VCF-style: chr2-149226113-C-A.
Other names: c.601C>A, p.Gln201Lys (NM_018328.5); short protein forms Q201K.
Identifiers: ClinVar variation 2796100 (VCV002796100.3), dbSNP rs200287454, ClinGen allele CA57577240.

ClinVar aggregate classification (germline): Uncertain significance (1 of 4 stars; one submission).

Conditions:
Intellectual developmental disorder, autosomal dominant 1. Also called: MBD5 Haploinsufficiency; Intellectual disability, autosomal dominant 1. Identifiers: Orphanet 228402, MedGen C1969562, MONDO:0007974, OMIM 156200.

Allele frequency attached by ClinVar (database versions not stated): gnomAD exomes below 0.00001; gnomAD 0.00001; 1000 Genomes Project 30x 0.00016; 1000 Genomes Project 0.00020.
gnomAD v4.1: 3 of 1,613,912 alleles (0.00019%); highest among the groups gnomAD compares: East Asian, 0.0067%; no homozygotes.

Submission:

Labcorp Genetics (formerly Invitae), Labcorp
Classification: Uncertain significance for Intellectual developmental disorder, autosomal dominant 1. Last evaluated: 2023-04-28. Review status: criteria provided, single submitter. Criteria: Invitae Variant Classification Sherloc (09022015). Collection method: clinical testing. Allele origin: germline.
Comment: This variant has not been reported in the literature in individuals affected with MBD5-related conditions. This variant is present in population databases (rs200287454, gnomAD 0.02%). This sequence change replaces glutamine, which is neutral and polar, with lysine, which is basic and polar, at codon 201 of the MBD5 protein (p.Gln201Lys). Advanced modeling of protein sequence and biophysical properties (such as structural, functional, and spatial information, amino acid conservation, physicochemical variation, residue mobility, and thermodynamic stability) performed at Invitae indicates that this missense variant is not expected to disrupt MBD5 protein function. In summary, the available evidence is currently insufficient to determine the role of this variant in disease. Therefore, it has been classified as a Variant of Uncertain Significance.